The following is an entry in ClinVar:

NM_000552.5(VWF):c.1826G>T (p.Arg609Leu)

Gene: VWF (von Willebrand factor; minus strand). Cytogenetic location: 12p13.31.
Variant type: single nucleotide variant.
Coding change: c.1826G>T on transcript NM_000552.5 (MANE Select); coding-DNA position 1826, G replaced by T.
Protein change: p.Arg609Leu; replaces arginine 609 with leucine.
Molecular consequence: missense variant.
Genome position (GRCh38, 1-based): chr12:6,056,976, C>A on the plus strand (G>T on the coding strand, the complement: VWF is on the minus strand). VCF-style: chr12-6056976-C-A. GRCh37 (hg19) VCF-style: chr12-6166142-C-A.
Other names: short protein forms R609L.
Identifiers: ClinVar variation 4989476 (VCV004989476.1).

ClinVar aggregate classification (germline): Uncertain significance (1 of 4 stars; one submission).

Conditions:
VWF-related disorder. Also called: VWF-related disorders; VWF-related condition.

gnomAD v4.1: 4 of 1,543,238 alleles (0.00026%); highest among the groups gnomAD compares: African/African-American, 0.0041%; no homozygotes.

Submission:

PreventionGenetics, part of Exact Sciences
Classification: Uncertain significance for VWF-related condition. Last evaluated: 2025-08-31. Review status: criteria provided, single submitter. Criteria: ACMG Guidelines, 2015. Collection method: clinical testing. Allele origin: germline.
Comment: The VWF c.1826G>T variant is predicted to result in the amino acid substitution p.Arg609Leu. To our knowledge, this variant has not been reported in the literature. This variant is reported in 0.012% of alleles in individuals of African descent in gnomAD. At this time, the clinical significance of this variant is uncertain due to the absence of conclusive functional and genetic evidence.